The following is an entry in ClinVar:

NM_024652.6(LRRK1):c.1124A>G (p.Asn375Ser)

Gene: LRRK1 (leucine rich repeat kinase 1; plus strand). Cytogenetic location: 15q26.3.
Variant type: single nucleotide variant.
Coding change: c.1124A>G on transcript NM_024652.6 (MANE Select); coding-DNA position 1124, A replaced by G.
Protein change: p.Asn375Ser; replaces asparagine 375 with serine.
Molecular consequence: missense variant.
Genome position (GRCh38, 1-based): chr15:101,010,680, A>G. VCF-style: chr15-101010680-A-G. GRCh37 (hg19) VCF-style: chr15-101550885-A-G.
Other names: c.1124A>G (NM_024652.3); short protein forms N375S.
Identifiers: ClinVar variation 1436233 (VCV001436233.5), dbSNP rs372555242, ClinGen allele CA7760807.

ClinVar aggregate classification (germline): Uncertain significance. Review status: criteria provided, multiple submitters, no conflicts (2 of 4 stars). 2 submissions from 2 submitters: Uncertain significance (2). Last evaluated 2025-04-10.

Conditions:
Inborn genetic diseases. Identifiers: MedGen C0950123, MeSH D030342.

Allele frequency attached by ClinVar (database versions not stated): gnomAD exomes 0.00006 and 0.00011; gnomAD 0.00007 and 0.00008; TOPMed 0.00009; ESP Exome Variant Server 0.00026; ExAC 0.00009.
gnomAD v4.1: 167 of 1,594,526 alleles (0.01%); highest among the groups gnomAD compares: Non-Finnish European, 0.013%; no homozygotes.

Submissions (2):

Ambry Genetics
Classification: Uncertain significance for Inborn genetic diseases. Last evaluated: 2025-04-10. Review status: criteria provided, single submitter. Criteria: Ambry Variant Classification Scheme 2023. Collection method: clinical testing. Allele origin: germline.

Labcorp Genetics (formerly Invitae), Labcorp
Classification: Uncertain significance. Last evaluated: 2022-05-27. Review status: criteria provided, single submitter. Criteria: Invitae Variant Classification Sherloc (09022015). Collection method: clinical testing. Allele origin: germline.
Comment: This sequence change replaces asparagine, which is neutral and polar, with serine, which is neutral and polar, at codon 375 of the LRRK1 protein (p.Asn375Ser). This variant is present in population databases (rs372555242, gnomAD 0.02%). This variant has not been reported in the literature in individuals affected with LRRK1-related conditions. Algorithms developed to predict the effect of missense changes on protein structure and function are either unavailable or do not agree on the potential impact of this missense change (SIFT: "Tolerated"; PolyPhen-2: "Probably Damaging"; Align-GVGD: "Class C0"). Algorithms developed to predict the effect of sequence changes on RNA splicing suggest that this variant may create or strengthen a splice site. In summary, the available evidence is currently insufficient to determine the role of this variant in disease. Therefore, it has been classified as a Variant of Uncertain Significance.